The following is an entry in ClinVar:

NM_000377.3(WAS):c.1453+2T>G

Gene: WAS (WASP actin nucleation promoting factor; plus strand). Cytogenetic location: Xp11.23.
Variant type: single nucleotide variant.
Coding change: c.1453+2T>G on transcript NM_000377.3 (MANE Select); the canonical splice donor site of the intron after coding-DNA position 1453, T replaced by G.
Molecular consequence: splice donor variant.
Genome position (GRCh38, 1-based): chrX:48,689,436, T>G. VCF-style: chrX-48689436-T-G. GRCh37 (hg19) VCF-style: chrX-48547825-T-G.
Identifiers: ClinVar variation 1074601 (VCV001074601.7), dbSNP rs2147267350, ClinGen allele CA412874033.
Genomic context (GRCh38, chrX:48,689,436, plus strand): 5'-ACTGGTGGGGGCCCTGATGCACGTGATGCAGAAGAGAAGCAGAGCCATCCACTCCTCCGG[T>G]GAGCTGATCCTGCCGGGGCCTCAAACCTGGCTCCCAGGGCTAGCACTGGCCTCAAAACAA-3'

ClinVar aggregate classification (germline): Pathogenic (1 of 4 stars; one submission).

Conditions:
Thrombocytopenia 1. Also called: THROMBOCYTOPENIA, X-LINKED, 1; X-linked thrombocytopenia with normal platelets; X-Linked Thrombocytopenia (XLT). Identifiers: Orphanet 268322, Orphanet 852, MedGen C1839163, MONDO:0010743, OMIM 313900.
X-linked severe congenital neutropenia (SCNX). Identifiers: Orphanet 86788, MedGen C1845987, MONDO:0010294, OMIM 300299.
Wiskott-Aldrich syndrome (WAS). Also called: Wiskott-aldrich syndrome, somatic; ALDRICH SYNDROME; IMMUNODEFICIENCY 2; WISKOTT-ALDRICH SYNDROME 1. Identifiers: Orphanet 906, MedGen C0043194, MONDO:0010518, OMIM 301000.

Submission:

Labcorp Genetics (formerly Invitae), Labcorp
Classification: Pathogenic for Wiskott-Aldrich syndrome; X-linked severe congenital neutropenia; Thrombocytopenia 1. Last evaluated: 2020-06-30. Review status: criteria provided, single submitter. Criteria: Invitae Variant Classification Sherloc (09022015). Collection method: clinical testing. Allele origin: germline.
Comment: For these reasons, this variant has been classified as Pathogenic. Nucleotide substitutions within the consensus splice site are a relatively common cause of aberrant splicing (PMID: 17576681, 9536098). Experimental studies have shown that this variant disrupts mRNA splicing (PMID: 15284122). Disruption of this splice site has been observed in individual(s) with clinical features of Wiskott-Aldrich syndrome (PMID: 15284122, 8931701, 17400488, Invitae). This variant has also been reported as IVS11+2T>G in the literature. This variant is not present in population databases (ExAC no frequency). This sequence change affects a donor splice site in the last intron (intron 11) of the WAS gene. While this is not anticipated to result in nonsense mediated decay, it likely alters RNA splicing and results in a disrupted protein product.

Literature cited by the submitters: PubMed 17576681; PubMed 9536098; PubMed 15284122; PubMed 8931701; PubMed 17400488.